The following is an entry in ClinVar:

ClinVar aggregate classification (germline): Uncertain significance (1 of 4 stars; one submission).

Submission:

Labcorp Genetics (formerly Invitae), Labcorp
Classification: Uncertain significance. Last evaluated: 2024-03-07. Review status: criteria provided, single submitter. Criteria: Invitae Variant Classification Sherloc (09022015). Collection method: clinical testing. Allele origin: germline.
Comment: This sequence change replaces methionine, which is neutral and non-polar, with threonine, which is neutral and polar, at codon 500 of the RP1 protein (p.Met500Thr). This variant is not present in population databases (gnomAD no frequency). This variant has not been reported in the literature in individuals affected with RP1-related conditions. An algorithm developed to predict the effect of missense changes on protein structure and function (PolyPhen-2) suggests that this variant is likely to be tolerated. In summary, the available evidence is currently insufficient to determine the role of this variant in disease. Therefore, it has been classified as a Variant of Uncertain Significance.

NM_006269.2(RP1):c.1499T>C (p.Met500Thr)

Gene: RP1 (RP1 axonemal microtubule associated; plus strand). Cytogenetic location: 8q12.1.
Variant type: single nucleotide variant.
Coding change: c.1499T>C on transcript NM_006269.2 (MANE Select); coding-DNA position 1499, T replaced by C.
Protein change: p.Met500Thr; replaces methionine 500 with threonine.
Molecular consequence: missense variant. On other transcripts: intron variant (1).
Genome position (GRCh38, 1-based): chr8:54,625,381, T>C. VCF-style: chr8-54625381-T-C. GRCh37 (hg19) VCF-style: chr8-55537941-T-C.
Other names: c.787+3093T>C (NM_001375654.1); short protein forms M500T.
Identifiers: ClinVar variation 3644956 (VCV003644956.2).